The following is an entry in ClinVar:

ClinVar aggregate classification (germline): Uncertain significance (1 of 4 stars; one submission).

Submission:

GeneDx
Classification: Uncertain significance. Last evaluated: 2026-02-07. Review status: criteria provided, single submitter. Criteria: GeneDx Variant Classification Process June 2021. Collection method: clinical testing. Allele origin: germline.
Comment: Not observed at significant frequency in large population cohorts (gnomAD); In-frame deletion of 1 amino acid(s) in a non-repeat region; In silico analysis supports a deleterious effect on protein structure/function; Has not been previously published as pathogenic or benign to our knowledge

NM_006186.4(NR4A2):c.1311_1313del (p.Leu438del)

Gene: NR4A2 (nuclear receptor subfamily 4 group A member 2; minus strand). Cytogenetic location: 2q24.1.
Variant type: Deletion.
Coding change: c.1311_1313del on transcript NM_006186.4 (MANE Select); coding-DNA positions 1311 to 1313, 3 bases deleted (GCT; older notation c.1311_1313delGCT).
Protein change: p.Leu438del; deletes leucine 438.
Molecular consequence: inframe deletion.
Genome position (GRCh38, 1-based): chr2:156,326,766-156,326,768, AGC deleted on the plus strand (GCT on the coding strand, the reverse complement: NR4A2 is on the minus strand); deleting any 3 consecutive bases within chr2:156,326,766-156,326,770 gives the same sequence; the c. name uses the placement nearest the transcript's 3' end. VCF-style (leftmost placement, unchanged base first): chr2-156326765-AAGC-A. GRCh37 (hg19) VCF-style: chr2-157183277-AAGC-A.
Other names: c.1122_1124del, p.Leu375del (NM_173173.3); short protein forms L375del, L438del.
Identifiers: ClinVar variation 4976237 (VCV004976237.1).